The following is an entry in ClinVar:

ClinVar aggregate classification (germline): Uncertain significance. Review status: criteria provided, multiple submitters, no conflicts (2 of 4 stars). 2 submissions from 2 submitters: Uncertain significance (2). Last evaluated 2024-03-16.

Conditions:
Inborn genetic diseases. Identifiers: MedGen C0950123, MeSH D030342.
Autosomal dominant polycystic kidney disease. Identifiers: Orphanet 730, MedGen C0085413, MONDO:0004691.

Allele frequency attached by ClinVar (database versions not stated): TOPMed below 0.00001; gnomAD exomes 0.00001; ExAC 0.00003.
gnomAD v4.1: 10 of 1,607,478 alleles (0.00062%); highest among the groups gnomAD compares: South Asian, 0.0055%; no homozygotes.

Submissions (2):

Ambry Genetics
Classification: Uncertain significance for Inborn genetic diseases. Last evaluated: 2024-03-16. Review status: criteria provided, single submitter. Criteria: Ambry Variant Classification Scheme 2023. Collection method: clinical testing. Allele origin: germline.

Labcorp Genetics (formerly Invitae), Labcorp
Classification: Uncertain significance for Autosomal dominant polycystic kidney disease. Last evaluated: 2022-11-01. Review status: criteria provided, single submitter. Criteria: Invitae Variant Classification Sherloc (09022015). Collection method: clinical testing. Allele origin: germline.
Comment: This variant is present in population databases (rs764104241, gnomAD 0.01%). This sequence change replaces arginine, which is basic and polar, with glutamine, which is neutral and polar, at codon 213 of the PKD2 protein (p.Arg213Gln). This variant has not been reported in the literature in individuals affected with PKD2-related conditions. Advanced modeling of protein sequence and biophysical properties (such as structural, functional, and spatial information, amino acid conservation, physicochemical variation, residue mobility, and thermodynamic stability) performed at Invitae indicates that this missense variant is not expected to disrupt PKD2 protein function. In summary, the available evidence is currently insufficient to determine the role of this variant in disease. Therefore, it has been classified as a Variant of Uncertain Significance.

NM_000297.4(PKD2):c.638G>A (p.Arg213Gln)

Gene: PKD2 (polycystin 2, transient receptor potential cation channel; plus strand). Cytogenetic location: 4q22.1.
Variant type: single nucleotide variant.
Coding change: c.638G>A on transcript NM_000297.4 (MANE Select); coding-DNA position 638, G replaced by A.
Protein change: p.Arg213Gln; replaces arginine 213 with glutamine.
Molecular consequence: missense variant. On other transcripts: non-coding transcript variant (1).
Genome position (GRCh38, 1-based): chr4:88,019,500, G>A. VCF-style: chr4-88019500-G-A. GRCh37 (hg19) VCF-style: chr4-88940652-G-A.
Other names: c.638G>A (NM_000297.3); short protein forms R213Q.
Identifiers: ClinVar variation 2894632 (VCV002894632.4), dbSNP rs764104241, ClinGen allele CA3003750.